The following is an entry in ClinVar:

NM_001927.4(DES):c.190_196dup (p.Leu66fs)

Gene: DES (desmin; plus strand). Cytogenetic location: 2q35.
Variant type: Duplication.
Coding change: c.190_196dup on transcript NM_001927.4 (MANE Select); coding-DNA positions 190 to 196, 7 bases duplicated (GGGGGCC; older notation c.190_196dupGGGGGCC).
Protein change: p.Leu66fs; shifts the reading frame from leucine 66.
Molecular consequence: frameshift variant.
Genome position (GRCh38, 1-based): chr2:219,418,652-219,418,658, GGGGGCC duplicated; duplicating any 7 consecutive bases within chr2:219,418,646-219,418,658 gives the same sequence; the c. name uses the placement nearest the transcript's 3' end. VCF-style (leftmost placement, unchanged base first): chr2-219418645-C-CGGGGCCG. GRCh37 (hg19) VCF-style: chr2-220283367-C-CGGGGCCG.
Other names: c.190_196dup, p.Leu66fs (NM_001382708.1, NM_001382709.1, NM_001382710.1 and 3 more transcripts); short protein forms L66fs.
Identifiers: ClinVar variation 4785306 (VCV004785306.1).
Genomic context (GRCh38, chr2:219,418,645, plus strand): 5'-CTCTAAGGGCTCCTCCAGCTCGGTGACGTCCCGCGTGTACCAGGTGTCGCGCACGTCGGG[C>CGGGGCCG]GGGGCCGGGGGCCTGGGGTCGCTGCGGGCCAGCCGGCTGGGGACCACCCGCACGCCCTCC-3'

ClinVar aggregate classification (germline): Pathogenic (1 of 4 stars; one submission).

Conditions:
Desmin-related myofibrillar myopathy (MFM1). Also called: Desminopathy; Desmin related myopathy (former name); Desmin storage myopathy (former name); MYOFIBRILLAR MYOPATHY WITH ARRHYTHMOGENIC RIGHT VENTRICULAR CARDIOMYOPATHY; DESMIN-RELATED MYOPATHY WITH ARRHYTHMOGENIC RIGHT VENTRICULAR CARDIOMYOPATHY; Myofibrillar myopathy 1. Identifiers: Orphanet 363543, Orphanet 98909, MedGen C1832370, MONDO:0011076, OMIM 601419.

Submission:

Labcorp Genetics (formerly Invitae), Labcorp
Classification: Pathogenic for Desmin-related myofibrillar myopathy. Last evaluated: 2025-06-15. Review status: criteria provided, single submitter. Criteria: Invitae Variant Classification Sherloc (09022015). Collection method: clinical testing. Allele origin: germline.
Comment: This sequence change creates a premature translational stop signal (p.Leu66Argfs*54) in the DES gene. It is expected to result in an absent or disrupted protein product. Loss-of-function variants in DES are known to be pathogenic (PMID: 23575897). This variant is not present in population databases (gnomAD no frequency). This variant has not been reported in the literature in individuals affected with DES-related conditions. For these reasons, this variant has been classified as Pathogenic.

Literature cited by the submitters: PubMed 23575897.